The following is an entry in ClinVar:

NM_001042492.3(NF1):c.6055G>T (p.Ala2019Ser)

Gene: NF1 (neurofibromin 1; plus strand). Cytogenetic location: 17q11.2.
Variant type: single nucleotide variant.
Coding change: c.6055G>T on transcript NM_001042492.3 (MANE Select); coding-DNA position 6055, G replaced by T.
Protein change: p.Ala2019Ser; replaces alanine 2019 with serine.
Molecular consequence: missense variant.
Genome position (GRCh38, 1-based): chr17:31,336,381, G>T. VCF-style: chr17-31336381-G-T. GRCh37 (hg19) VCF-style: chr17-29663399-G-T.
Other names: c.5992G>T, p.Ala1998Ser (NM_000267.4); short protein forms A1998S, A2019S.
Identifiers: ClinVar variation 4800786 (VCV004800786.1).

ClinVar aggregate classification (germline): Uncertain significance (1 of 4 stars; one submission).

Conditions:
Neurofibromatosis, type 1 (NF1). Also called: VON RECKLINGHAUSEN DISEASE; Neurofibromatosis, type I; NEUROFIBROMATOSIS, TYPE I, SOMATIC; Peripheral type neurofibromatosis. Identifiers: Orphanet 636, MedGen C0027831, MONDO:0018975, OMIM 162200. Disease mechanism: loss of function.

Submission:

Labcorp Genetics (formerly Invitae), Labcorp
Classification: Uncertain significance for Neurofibromatosis, type 1. Last evaluated: 2025-06-23. Review status: criteria provided, single submitter. Criteria: Invitae Variant Classification Sherloc (09022015). Collection method: clinical testing. Allele origin: germline.
Comment: This sequence change replaces alanine, which is neutral and non-polar, with serine, which is neutral and polar, at codon 1998 of the NF1 protein (p.Ala1998Ser). This variant is not present in population databases (gnomAD no frequency). This variant has not been reported in the literature in individuals affected with NF1-related conditions. Invitae Evidence Modeling of protein sequence and biophysical properties (such as structural, functional, and spatial information, amino acid conservation, physicochemical variation, residue mobility, and thermodynamic stability) indicates that this missense variant is not expected to disrupt NF1 protein function with a negative predictive value of 95%. In summary, the available evidence is currently insufficient to determine the role of this variant in disease. Therefore, it has been classified as a Variant of Uncertain Significance.